The following is an entry in ClinVar:

ClinVar aggregate classification (germline): Uncertain significance. Review status: criteria provided, multiple submitters, no conflicts (2 of 4 stars). 2 submissions from 2 submitters: Uncertain significance (2). Last evaluated 2025-05-28.

Conditions:
Inborn genetic diseases. Identifiers: MedGen C0950123, MeSH D030342.
Deafness-lymphedema-leukemia syndrome. Also called: Emberger syndrome; Lymphedema, primary, with myelodysplasia. Identifiers: Orphanet 3226, MedGen C3279664, MONDO:0013540, OMIM 614038.
Monocytopenia with susceptibility to infections. Also called: MONOCYTOPENIA AND MYCOBACTERIAL INFECTION SYNDROME; MONOCYTOPENIA WITH SUSCEPTIBILITY TO MYCOBACTERIAL, FUNGAL, AND PAPILLOMAVIRUS INFECTIONS AND MYELODYSPLASIA; COMBINED IMMUNODEFICIENCY WITH SUSCEPTIBILITY TO MYCOBACTERIAL, VIRAL, AND FUNGAL INFECTIONS; IMMUNODEFICIENCY 21; GATA2 DEFICIENCY; Dendritic cell, monocyte, B lymphocyte, and natural killer lymphocyte deficiency. Identifiers: Orphanet 228423, MedGen C3280030, MONDO:0013607, OMIM 614172.

Submissions (2):

Ambry Genetics
Classification: Uncertain significance for Inborn genetic diseases. Last evaluated: 2025-05-28. Review status: criteria provided, single submitter. Criteria: Ambry Variant Classification Scheme 2023. Collection method: clinical testing. Allele origin: germline.
Comment: The p.G94V variant (also known as c.281G>T), located in coding exon 2 of the GATA2 gene, results from a G to T substitution at nucleotide position 281. The glycine at codon 94 is replaced by valine, an amino acid with dissimilar properties. This amino acid position is conserved. In addition, this alteration is predicted to be deleterious by in silico analysis. Based on the available evidence, the clinical significance of this variant remains unclear.

Labcorp Genetics (formerly Invitae), Labcorp
Classification: Uncertain significance for Monocytopenia with susceptibility to infections; Deafness-lymphedema-leukemia syndrome. Last evaluated: 2023-07-17. Review status: criteria provided, single submitter. Criteria: Invitae Variant Classification Sherloc (09022015). Collection method: clinical testing. Allele origin: germline.
Comment: This variant is not present in population databases (gnomAD no frequency). This sequence change replaces glycine, which is neutral and non-polar, with valine, which is neutral and non-polar, at codon 94 of the GATA2 protein (p.Gly94Val). This variant has not been reported in the literature in individuals affected with GATA2-related conditions. In summary, the available evidence is currently insufficient to determine the role of this variant in disease. Therefore, it has been classified as a Variant of Uncertain Significance. Advanced modeling of protein sequence and biophysical properties (such as structural, functional, and spatial information, amino acid conservation, physicochemical variation, residue mobility, and thermodynamic stability) has been performed at Invitae for this missense variant, however the output from this modeling did not meet the statistical confidence thresholds required to predict the impact of this variant on GATA2 protein function. ClinVar contains an entry for this variant (Variation ID: 967140).

NM_032638.5(GATA2):c.281G>T (p.Gly94Val)

Gene: GATA2 (GATA binding protein 2; minus strand). Cytogenetic location: 3q21.3.
Variant type: single nucleotide variant.
Coding change: c.281G>T on transcript NM_032638.5 (MANE Select); coding-DNA position 281, G replaced by T.
Protein change: p.Gly94Val; replaces glycine 94 with valine.
Molecular consequence: missense variant.
Genome position (GRCh38, 1-based): chr3:128,486,317, C>A on the plus strand (G>T on the coding strand, the complement: GATA2 is on the minus strand). VCF-style: chr3-128486317-C-A. GRCh37 (hg19) VCF-style: chr3-128205160-C-A.
Other names: c.281G>T, p.Gly94Val (NM_001145661.2, NM_001145662.1); short protein forms G94V.
Identifiers: ClinVar variation 967140 (VCV000967140.11), dbSNP rs2068699101, ClinGen allele CA354407593.